The following is an entry in ClinVar:

ClinVar aggregate classification (germline): Uncertain significance (1 of 4 stars; one submission).

Allele frequency attached by ClinVar (database versions not stated): gnomAD exomes below 0.00001; TOPMed below 0.00001; ExAC 0.00001.
gnomAD v4.1: 2 of 1,613,874 alleles (0.00012%); highest among the groups gnomAD compares: Non-Finnish European, 0.00017%; no homozygotes.

Submission:

GeneDx
Classification: Uncertain significance. Last evaluated: 2023-01-11. Review status: criteria provided, single submitter. Criteria: GeneDx Variant Classification Process June 2021. Collection method: clinical testing. Allele origin: germline. Affected: yes.
Comment: Not observed at significant frequency in large population cohorts (gnomAD); In silico analysis supports that this missense variant has a deleterious effect on protein structure/function; In silico analysis suggests this variant may impact gene splicing. In the absence of RNA/functional studies, the actual effect of this sequence change is unknown.; Has not been previously published as pathogenic or benign to our knowledge

NM_001376571.1(MADD):c.4337A>G (p.His1446Arg)

Gene: MADD (MAP kinase activating death domain; plus strand). Cytogenetic location: 11p11.2.
Variant type: single nucleotide variant.
Coding change: c.4337A>G on transcript NM_001376571.1 (MANE Select); coding-DNA position 4337, A replaced by G.
Protein change: p.His1446Arg; replaces histidine 1446 with arginine.
Molecular consequence: missense variant. On other transcripts: non-coding transcript variant (8), intron variant (1).
Genome position (GRCh38, 1-based): chr11:47,315,287, A>G. VCF-style: chr11-47315287-A-G. GRCh37 (hg19) VCF-style: chr11-47336838-A-G.
Other names: c.4028A>G, p.His1343Arg (NM_001135943.2); c.4019A>G, p.His1340Arg (NM_001135944.2, NM_001376618.1, NM_001376619.1 and 2 more transcripts); c.4325A>G, p.His1442Arg (NM_001376572.1, NM_001376573.1, NM_001376599.1 and 2 more transcripts); c.4283A>G, p.His1428Arg (NM_001376574.1, NM_001376605.1); c.4277A>G, p.His1426Arg (NM_001376575.1); c.4265A>G, p.His1422Arg (NM_001376576.1, NM_001376577.1, NM_001376610.1); c.4238A>G, p.His1413Arg (NM_001376578.1); c.4211A>G, p.His1404Arg (NM_001376579.1, NM_001376580.1, NM_001376622.1 and 1 more transcripts); and 43 more; short protein forms H1165R, H1235R, H1284R, H1296R, H1306R, H1311R, H1313R, H1314R.
Identifiers: ClinVar variation 2572795 (VCV002572795.1), dbSNP rs766165997, ClinGen allele CA5975104.